The following is an entry in ClinVar:

NM_000466.3(PEX1):c.38G>A (p.Gly13Asp)

Genes: PEX1 (peroxisomal biogenesis factor 1; minus strand), LOC129998796 (ATAC-STARR-seq lymphoblastoid silent region 18372; plus strand). Cytogenetic location: 7q21.2.
Variant type: single nucleotide variant.
Coding change: c.38G>A on transcript NM_000466.3 (MANE Select); coding-DNA position 38, G replaced by A.
Protein change: p.Gly13Asp; replaces glycine 13 with aspartic acid.
Molecular consequence: missense variant. On other transcripts: 5 prime UTR variant (1).
Genome position (GRCh38, 1-based): chr7:92,528,398, C>T on the plus strand (G>A on the coding strand, the complement: PEX1 is on the minus strand). VCF-style: chr7-92528398-C-T. GRCh37 (hg19) VCF-style: chr7-92157712-C-T.
Other names: c.38G>A, p.Gly13Asp (NM_001282677.2); c.-622G>A (NM_001282678.2); short protein forms G13D.
Identifiers: ClinVar variation 2162698 (VCV002162698.1), dbSNP rs772314318, ClinGen allele CA4341702.

ClinVar aggregate classification (germline): Uncertain significance (1 of 4 stars; one submission).

Conditions:
Zellweger spectrum disorders (ZS). Also called: Zellweger Spectrum Disorder (ZSD); Zellweger syndrome; Zellweger Spectrum Disorder; Zellweger Spectrum. Identifiers: Orphanet 912, MedGen C0043459, MONDO:0019609.

Allele frequency attached by ClinVar (database versions not stated): ExAC 0.00005.
gnomAD v4.1: 3 of 1,595,912 alleles (0.00019%); highest among the groups gnomAD compares: Admixed American, 0.0052%; no homozygotes.

Submission:

Labcorp Genetics (formerly Invitae), Labcorp
Classification: Uncertain significance for Zellweger spectrum disorders. Last evaluated: 2022-07-19. Review status: criteria provided, single submitter. Criteria: Invitae Variant Classification Sherloc (09022015). Collection method: clinical testing. Allele origin: germline.
Comment: This sequence change replaces glycine, which is neutral and non-polar, with aspartic acid, which is acidic and polar, at codon 13 of the PEX1 protein (p.Gly13Asp). The frequency data for this variant in the population databases is considered unreliable, as metrics indicate poor data quality at this position in the gnomAD database. This variant has not been reported in the literature in individuals affected with PEX1-related conditions. Algorithms developed to predict the effect of missense changes on protein structure and function output the following: SIFT: "Deleterious"; PolyPhen-2: "Benign"; Align-GVGD: "Class C0". The aspartic acid amino acid residue is found in multiple mammalian species, which suggests that this missense change does not adversely affect protein function. In summary, the available evidence is currently insufficient to determine the role of this variant in disease. Therefore, it has been classified as a Variant of Uncertain Significance.